The following is an entry in ClinVar:

NM_002470.4(MYH3):c.4217A>G (p.Glu1406Gly)

Gene: MYH3 (myosin heavy chain 3; minus strand). Cytogenetic location: 17p13.1.
Variant type: single nucleotide variant.
Coding change: c.4217A>G on transcript NM_002470.4 (MANE Select); coding-DNA position 4217, A replaced by G.
Protein change: p.Glu1406Gly; replaces glutamic acid 1406 with glycine.
Molecular consequence: missense variant.
Genome position (GRCh38, 1-based): chr17:10,634,979, T>C on the plus strand (A>G on the coding strand, the complement: MYH3 is on the minus strand). VCF-style: chr17-10634979-T-C. GRCh37 (hg19) VCF-style: chr17-10538296-T-C.
Other names: short protein forms E1406G.
Identifiers: ClinVar variation 1699872 (VCV001699872.7), dbSNP rs745755095, ClinGen allele CA8392279.

ClinVar aggregate classification (germline): Uncertain significance. Review status: criteria provided, multiple submitters, no conflicts (2 of 4 stars). 2 submissions from 2 submitters: Uncertain significance (2). Last evaluated 2023-10-14.

Allele frequency attached by ClinVar (database versions not stated): gnomAD exomes below 0.00001; gnomAD 0.00002 and 0.00001; TOPMed 0.00002; ExAC 0.00001.
gnomAD v4.1: 5 of 1,614,062 alleles (0.00031%); highest among the groups gnomAD compares: African/African-American, 0.0053%; no homozygotes.

Submissions (2):

Labcorp Genetics (formerly Invitae), Labcorp
Classification: Uncertain significance. Last evaluated: 2023-10-14. Review status: criteria provided, single submitter. Criteria: Invitae Variant Classification Sherloc (09022015). Collection method: clinical testing. Allele origin: germline.
Comment: This sequence change replaces glutamic acid, which is acidic and polar, with glycine, which is neutral and non-polar, at codon 1406 of the MYH3 protein (p.Glu1406Gly). This variant is present in population databases (rs745755095, gnomAD 0.007%). This variant has not been reported in the literature in individuals affected with MYH3-related conditions. ClinVar contains an entry for this variant (Variation ID: 1699872). Advanced modeling of protein sequence and biophysical properties (such as structural, functional, and spatial information, amino acid conservation, physicochemical variation, residue mobility, and thermodynamic stability) performed at Invitae indicates that this missense variant is not expected to disrupt MYH3 protein function. In summary, the available evidence is currently insufficient to determine the role of this variant in disease. Therefore, it has been classified as a Variant of Uncertain Significance.

GeneDx
Classification: Uncertain significance. Last evaluated: 2022-01-28. Review status: criteria provided, single submitter. Criteria: GeneDx Variant Classification Process June 2021. Collection method: clinical testing. Allele origin: germline. Affected: yes.
Comment: Not observed at significant frequency in large population cohorts (gnomAD); In silico analysis supports that this missense variant has a deleterious effect on protein structure/function; Has not been previously published as pathogenic or benign to our knowledge